The following is an entry in ClinVar:

NM_014159.7(SETD2):c.3276A>G (p.Gln1092=)

Gene: SETD2 (SET domain containing 2, histone lysine methyltransferase; minus strand). Cytogenetic location: 3p21.31.
Variant type: single nucleotide variant.
Coding change: c.3276A>G on transcript NM_014159.7 (MANE Select); coding-DNA position 3276, A replaced by G.
Protein change: p.Gln1092=; no amino-acid change (glutamine 1092 retained).
Molecular consequence: synonymous variant. On other transcripts: non-coding transcript variant (1).
Genome position (GRCh38, 1-based): chr3:47,121,360, T>C on the plus strand (A>G on the coding strand, the complement: SETD2 is on the minus strand). VCF-style: chr3-47121360-T-C. GRCh37 (hg19) VCF-style: chr3-47162850-T-C.
Other names: c.3144A>G, p.Gln1048= (NM_001349370.3).
Identifiers: ClinVar variation 1145386 (VCV001145386.9), dbSNP rs114327122, ClinGen allele CA2363409.

ClinVar aggregate classification (germline): Likely benign. Review status: criteria provided, multiple submitters, no conflicts (2 of 4 stars). 2 submissions from 2 submitters: Likely benign (2). Last evaluated 2026-04-01.

Conditions:
Luscan-Lumish syndrome. Identifiers: Orphanet 597738, MedGen C4085873, MONDO:0014791, OMIM 616831.

Allele frequency attached by ClinVar (database versions not stated): gnomAD exomes 0.00005 and 0.00009; gnomAD 0.00006; ExAC 0.00008; ESP Exome Variant Server 0.00008; TOPMed 0.00008; 1000 Genomes Project 30x 0.00016; 1000 Genomes Project 0.00020.
gnomAD v4.1: 139 of 1,609,908 alleles (0.0086%); highest among the groups gnomAD compares: Middle Eastern, 0.099%; no homozygotes.

Submissions (2):

CeGaT Center for Human Genetics Tuebingen
Classification: Likely benign. Last evaluated: 2026-04-01. Review status: criteria provided, single submitter. Criteria: CeGaT Center For Human Genetics Tuebingen Variant Classification Criteria Version 2. Collection method: clinical testing. Allele origin: germline. Affected: yes. Observed: 1 variant allele.
Comment: SETD2: BP4, BP7

Labcorp Genetics (formerly Invitae), Labcorp
Classification: Likely benign for Luscan-Lumish syndrome. Last evaluated: 2024-10-24. Review status: criteria provided, single submitter. Criteria: Invitae Variant Classification Sherloc (09022015). Collection method: clinical testing. Allele origin: germline.